The following is an entry in ClinVar:

ClinVar aggregate classification (germline): Conflicting classifications of pathogenicity. Review status: criteria provided, conflicting classifications (1 of 4 stars). 7 submissions from 7 submitters: Uncertain significance (2); Benign (3); Likely benign (2). Last evaluated 2026-06-29.

Conditions:
USH1C-related disorder. Also called: USH1C-related condition.

Allele frequency attached by ClinVar (database versions not stated): ExAC 0.00045; 1000 Genomes Project 30x 0.00078; 1000 Genomes Project 0.00080; gnomAD 0.00126 and 0.00134; TOPMed 0.00131; ESP Exome Variant Server 0.00162.
gnomAD v4.1: 556 of 1,613,340 alleles (0.034%); highest among the groups gnomAD compares: African/African-American, 0.37%; no homozygotes.

Submissions (7):

PreventionGenetics, part of Exact Sciences
Classification: Uncertain significance for USH1C-related condition. Last evaluated: 2026-06-29. Review status: criteria provided, single submitter. Criteria: ACMG Guidelines, 2015. Collection method: clinical testing. Allele origin: germline.
Comment: The USH1C c.1906C>T variant is predicted to result in the amino acid substitution p.Arg636Cys. This variant was previously reported in individuals with non-syndromic deafness (Ouyang et al. 2002. PubMed ID: 12136232; supplementary data, Azaiez et al. 2018. PubMed ID: 30245029). However, this variant is reported in 0.39% of alleles in individuals of African descent in gnomAD, which is likely too frequent to be a primary cause of disease. Although we suspect that this variant may be benign, at this time, the clinical significance of this variant is uncertain due to the absence of conclusive functional and genetic evidence.

Blueprint Genetics
Classification: Benign. Last evaluated: 2024-11-14. Review status: criteria provided, single submitter. Criteria: ACMG Guidelines, 2015. Collection method: clinical testing. Allele origin: germline.

CeGaT Center for Human Genetics Tuebingen
Classification: Likely benign. Last evaluated: 2024-03-01. Review status: criteria provided, single submitter. Criteria: CeGaT Center For Human Genetics Tuebingen Variant Classification Criteria Version 2. Collection method: clinical testing. Allele origin: germline. Affected: yes. Observed: 1 variant allele.
Comment: USH1C: BP4, BS1

Labcorp Genetics (formerly Invitae), Labcorp
Classification: Benign. Last evaluated: 2023-09-21. Review status: criteria provided, single submitter. Criteria: Invitae Variant Classification Sherloc (09022015). Collection method: clinical testing. Allele origin: germline.

GeneDx
Classification: Likely benign. Last evaluated: 2020-07-06. Review status: criteria provided, single submitter. Criteria: GeneDx Variant Classification Process June 2021. Collection method: clinical testing. Allele origin: germline. Affected: yes.
Comment: This variant is associated with the following publications: (PMID: 12136232, 30245029)

Eurofins Ntd Llc (ga)
Classification: Uncertain significance. Last evaluated: 2016-05-03. Review status: criteria provided, single submitter. Criteria: EGL Classification Definitions 2015. Collection method: clinical testing. Allele origin: germline. Observed: 1 variant allele, 1 heterozygote.

Laboratory for Molecular Medicine, Mass General Brigham Personalized Medicine
Classification: Benign. Last evaluated: 2012-05-16. Review status: criteria provided, single submitter. Criteria: LMM Criteria. Collection method: clinical testing. Allele origin: germline. Observed: 4 variant alleles.
Comment: Arg636Cys in Exon 18 of USH1C: This variant has been reported in one individual with prelingual severe to profound deafness with no vision abnormalities (Ouyang 2002). However, this variant is not expected to have clinical significance beca use it has been identified in 0.5% (20/3738) of African American chromosomes fro m a broad population by the NHLBI Exome Sequencing Project (dbSNP rs149510892).

Literature cited by the submitters: PubMed 12136232 (cited by Laboratory for Molecular Medicine, Mass General Brigham Personalized Medicine).

NM_153676.4(USH1C):c.1906C>T (p.Arg636Cys)

Gene: USH1C (USH1 protein network component harmonin; minus strand). Cytogenetic location: 11p15.1.
Variant type: single nucleotide variant.
Coding change: c.1906C>T on transcript NM_153676.4 (MANE Select); coding-DNA position 1906, C replaced by T.
Protein change: p.Arg636Cys; replaces arginine 636 with cysteine.
Molecular consequence: missense variant. On other transcripts: intron variant (2).
Genome position (GRCh38, 1-based): chr11:17,509,463, G>A on the plus strand (C>T on the coding strand, the complement: USH1C is on the minus strand). VCF-style: chr11-17509463-G-A. GRCh37 (hg19) VCF-style: chr11-17531010-G-A.
Other names: c.1228-7483C>T (NM_001297764.2); c.1285-7483C>T (NM_005709.4); short protein forms R636C.
Identifiers: ClinVar variation 47986 (VCV000047986.45), dbSNP rs149510892, ClinGen allele CA142315.